The following is an entry in ClinVar:

NM_024312.5(GNPTAB):c.2987C>A (p.Ser996Tyr)

Gene: GNPTAB (N-acetylglucosamine-1-phosphate transferase subunits alpha and beta; minus strand). Cytogenetic location: 12q23.2.
Variant type: single nucleotide variant.
Coding change: c.2987C>A on transcript NM_024312.5 (MANE Select); coding-DNA position 2987, C replaced by A.
Protein change: p.Ser996Tyr; replaces serine 996 with tyrosine.
Molecular consequence: missense variant.
Genome position (GRCh38, 1-based): chr12:101,761,275, G>T on the plus strand (C>A on the coding strand, the complement: GNPTAB is on the minus strand). VCF-style: chr12-101761275-G-T. GRCh37 (hg19) VCF-style: chr12-102155053-G-T.
Other names: short protein forms S996Y.
Identifiers: ClinVar variation 1339215 (VCV001339215.2), dbSNP rs1010106898, ClinGen allele CA386295893.
Genomic context (GRCh38, chr12:101,761,275, plus strand): 5'-TCATCAAAGACTTGAGATATATTCAGTGGCTGCACTGCACTCATGAGATAATAAAAATAA[G>T]AGAAGGCAAACTGCATATCCTCAGAATGGCGCACTTTGTGAAATGACGTCTTGTCAAATT-3'
Protein context (NP_077288.2, residues 986-1006): RHSEDMQFAF[Ser996Tyr]YFYYLMSAVQ

ClinVar aggregate classification (germline): Uncertain significance (1 of 4 stars; one submission).

Conditions:
Pseudo-Hurler polydystrophy. Also called: ML IIIA; ML III; ML III ALPHA/BETA; Mucolipidosis III Alpha/Beta; MUCOLIPIDOSIS IIIA; Type III Mucolipidosis. Identifiers: Orphanet 423461, Orphanet 577, MedGen C0033788, MONDO:0018931, OMIM 252600.

Submission:

Neuberg Centre For Genomic Medicine, NCGM
Classification: Uncertain significance for Pseudo-Hurler polydystrophy. Review status: criteria provided, single submitter. Criteria: ACMG Guidelines, 2015. Collection method: clinical testing. Allele origin: germline. Affected: yes.
Comment: The missense variant p.S996Y in GNPTAB (NM_024312.5) has not been reported previously as a pathogenic variant nor as a benign variant, to our knowledge. The p.S996Y variant is novel (not in any individuals) in gnomAD Exomes and is novel (not in any individuals) in 1000 Genomes. The p.S996Y missense variant is predicted to be damaging by both SIFT and PolyPhen2. The serine residue at codon 996 of GNPTAB is conserved in all mammalian species. The nucleotide c.2987 in GNPTAB is predicted conserved by GERP++ and PhyloP across 100 vertebrates. For these reasons, this variant has been classified as Uncertain Significance.